The following is an entry in ClinVar:

NM_017802.4(DNAAF5):c.215C>T (p.Pro72Leu)

Genes: DNAAF5 (dynein axonemal assembly factor 5; plus strand), PRKAR1B (protein kinase cAMP-dependent type I regulatory subunit beta; minus strand), LOC129997730 (ATAC-STARR-seq lymphoblastoid silent region 17816; plus strand). Cytogenetic location: 7p22.3.
Variant type: single nucleotide variant.
Coding change: c.215C>T on transcript NM_017802.4 (MANE Select); coding-DNA position 215, C replaced by T.
Protein change: p.Pro72Leu; replaces proline 72 with leucine.
Molecular consequence: missense variant. On other transcripts: non-coding transcript variant (1), intron variant (3).
Genome position (GRCh38, 1-based): chr7:726,935, C>T. VCF-style: chr7-726935-C-T. GRCh37 (hg19) VCF-style: chr7-766572-C-T.
Other names: c.215C>T (NM_017802.3); c.-23+720G>A (NM_001164759.1); c.-23+655G>A (NM_001164758.2); c.-23+275G>A (NM_001164760.2); short protein forms P72L.
Identifiers: ClinVar variation 1489610 (VCV001489610.6), dbSNP rs2128538232, ClinGen allele CA366529992.

ClinVar aggregate classification (germline): Uncertain significance. Review status: criteria provided, multiple submitters, no conflicts (2 of 4 stars). 2 submissions from 2 submitters: Uncertain significance (2). Last evaluated 2025-10-24.

Conditions:
Primary ciliary dyskinesia. Also called: Ciliary dyskinesia. Identifiers: Orphanet 244, MedGen C0008780, MONDO:0016575, HP:0012265.

Allele frequency attached by ClinVar (database versions not stated): gnomAD exomes below 0.00001.
gnomAD v4.1: 1 of 1,340,972 alleles (0.000075%); highest among the groups gnomAD compares: Non-Finnish European, 0.000096%; no homozygotes.

Submissions (2):

Ambry Genetics
Classification: Uncertain significance for Primary ciliary dyskinesia. Last evaluated: 2025-10-24. Review status: criteria provided, single submitter. Criteria: Ambry Variant Classification Scheme 2023. Collection method: clinical testing. Allele origin: germline.

Labcorp Genetics (formerly Invitae), Labcorp
Classification: Uncertain significance for Primary ciliary dyskinesia. Last evaluated: 2022-08-16. Review status: criteria provided, single submitter. Criteria: Invitae Variant Classification Sherloc (09022015). Collection method: clinical testing. Allele origin: germline.
Comment: Algorithms developed to predict the effect of missense changes on protein structure and function output the following: SIFT: "Tolerated"; PolyPhen-2: "Benign"; Align-GVGD: "Class C0". The leucine amino acid residue is found in multiple mammalian species, which suggests that this missense change does not adversely affect protein function. In summary, the available evidence is currently insufficient to determine the role of this variant in disease. Therefore, it has been classified as a Variant of Uncertain Significance. This sequence change replaces proline, which is neutral and non-polar, with leucine, which is neutral and non-polar, at codon 72 of the DNAAF5 protein (p.Pro72Leu). This variant is not present in population databases (gnomAD no frequency). This variant has not been reported in the literature in individuals affected with DNAAF5-related conditions. ClinVar contains an entry for this variant (Variation ID: 1489610).